The following is an entry in ClinVar:

ClinVar aggregate classification (germline): Uncertain significance (1 of 4 stars; one submission).

gnomAD v4.1: 1 of 1,610,438 alleles (0.000062%); highest among the groups gnomAD compares: Non-Finnish European, 0.000085%; no homozygotes.

Submission:

CeGaT Center for Human Genetics Tuebingen
Classification: Uncertain significance. Last evaluated: 2024-11-01. Review status: criteria provided, single submitter. Criteria: CeGaT Center For Human Genetics Tuebingen Variant Classification Criteria Version 2. Collection method: clinical testing. Allele origin: germline. Affected: yes. Observed: 1 variant allele.
Comment: PPP2CA: PM2, BP4

NM_002715.4(PPP2CA):c.77C>G (p.Ser26Cys)

Genes: MIR3661 (microRNA 3661; plus strand), PPP2CA (protein phosphatase 2 catalytic subunit alpha; minus strand). Cytogenetic location: 5q31.1.
Variant type: single nucleotide variant.
Coding change: c.77C>G on transcript NM_002715.4 (MANE Select); coding-DNA position 77, C replaced by G.
Protein change: p.Ser26Cys; replaces serine 26 with cysteine.
Molecular consequence: missense variant. On other transcripts: non-coding transcript variant (1).
Genome position (GRCh38, 1-based): chr5:134,225,785, G>C on the plus strand (C>G on the coding strand, the complement: PPP2CA is on the minus strand). VCF-style: chr5-134225785-G-C. GRCh37 (hg19) VCF-style: chr5-133561476-G-C.
Other names: short protein forms S26C.
Identifiers: ClinVar variation 3390127 (VCV003390127.14).